The following is an entry in ClinVar:

NM_206933.4(USH2A):c.8681+1G>T

Gene: USH2A (usherin; minus strand). Cytogenetic location: 1q41.
Variant type: single nucleotide variant.
Coding change: c.8681+1G>T on transcript NM_206933.4 (MANE Select); the canonical splice donor site of the intron after coding-DNA position 8681, G replaced by T.
Molecular consequence: splice donor variant.
Genome position (GRCh38, 1-based): chr1:215,877,757, C>A on the plus strand (G>T on the coding strand, the complement: USH2A is on the minus strand). VCF-style: chr1-215877757-C-A. GRCh37 (hg19) VCF-style: chr1-216051099-C-A.
Identifiers: ClinVar variation 1069501 (VCV001069501.10), dbSNP rs876657733, ClinGen allele CA344828771.

ClinVar aggregate classification (germline): Pathogenic. Review status: criteria provided, multiple submitters, no conflicts (2 of 4 stars). 2 submissions from 2 submitters: Pathogenic (2). Last evaluated 2022-03-29.

Conditions:
Retinal dystrophy. Also called: Inherited retinal dystrophy. Identifiers: Orphanet 71862, MedGen C0854723, MeSH D058499, MONDO:0019118, HP:0000556.

Submissions (2):

Labcorp Genetics (formerly Invitae), Labcorp
Classification: Pathogenic. Last evaluated: 2022-03-29. Review status: criteria provided, single submitter. Criteria: Invitae Variant Classification Sherloc (09022015). Collection method: clinical testing. Allele origin: germline.
Comment: ClinVar contains an entry for this variant (Variation ID: 1069501). Disruption of this splice site has been observed in individuals with clinical features of Usher syndrome or non-syndromic retinitis pigmentosa (PMID: 28944237; Invitae). This variant is not present in population databases (gnomAD no frequency). This sequence change affects a donor splice site in intron 43 of the USH2A gene. It is expected to disrupt RNA splicing. Variants that disrupt the donor or acceptor splice site typically lead to a loss of protein function (PMID: 16199547), and loss-of-function variants in USH2A are known to be pathogenic (PMID: 10729113, 10909849, 20507924, 25649381). For these reasons, this variant has been classified as Pathogenic. Algorithms developed to predict the effect of sequence changes on RNA splicing suggest that this variant may disrupt the consensus splice site.

Institute of Human Genetics, Univ. Regensburg, Univ. Regensburg
Classification: Pathogenic for Retinal dystrophy. Last evaluated: 2019-01-01. Review status: criteria provided, single submitter. Criteria: ACMG Guidelines, 2015. Collection method: clinical testing. Allele origin: germline. Affected: yes.

Literature cited by the submitters: PubMed 28944237 (cited by Labcorp Genetics (formerly Invitae), Labcorp and Institute of Human Genetics, Univ. Regensburg, Univ. Regensburg); PubMed 16199547 (cited by Labcorp Genetics (formerly Invitae), Labcorp); PubMed 10729113 (cited by Labcorp Genetics (formerly Invitae), Labcorp); PubMed 10909849 (cited by Labcorp Genetics (formerly Invitae), Labcorp); PubMed 20507924 (cited by Labcorp Genetics (formerly Invitae), Labcorp); PubMed 25649381 (cited by Labcorp Genetics (formerly Invitae), Labcorp).